The following is an entry in ClinVar:

ClinVar aggregate classification (germline): Uncertain significance (1 of 4 stars; one submission).

Conditions:
Hereditary cancer-predisposing syndrome. Also called: Neoplastic Syndromes, Hereditary; Tumor predisposition; Hereditary Cancer Syndrome; Hereditary neoplastic syndrome. Identifiers: Orphanet 140162, MedGen C0027672, MeSH D009386, MONDO:0015356.

Submission:

Color Diagnostics, LLC DBA Color Health
Classification: Uncertain significance for Hereditary cancer-predisposing syndrome. Last evaluated: 2021-09-27. Review status: criteria provided, single submitter. Criteria: ACMG Guidelines, 2015. Collection method: clinical testing. Allele origin: germline.
Comment: This missense variant replaces asparagine with tyrosine at codon 863 of the BRCA2 protein. Computational prediction suggests that this variant may not impact protein structure and function (internally defined REVEL score threshold <= 0.5, PMID: 27666373). To our knowledge, functional studies have not been reported for this variant. This variant has not been reported in individuals affected with hereditary cancer in the literature. This variant has not been identified in the general population by the Genome Aggregation Database (gnomAD). The available evidence is insufficient to determine the role of this variant in disease conclusively. Therefore, this variant is classified as a Variant of Uncertain Significance.

NM_000059.4(BRCA2):c.2587A>T (p.Asn863Tyr)

Gene: BRCA2 (BRCA2 DNA repair associated; plus strand). Cytogenetic location: 13q13.1.
Variant type: single nucleotide variant.
Coding change: c.2587A>T on transcript NM_000059.4 (MANE Select); coding-DNA position 2587, A replaced by T.
Protein change: p.Asn863Tyr; replaces asparagine 863 with tyrosine.
Molecular consequence: missense variant. On other transcripts: non-coding transcript variant (1), intron variant (2).
Genome position (GRCh38, 1-based): chr13:32,336,942, A>T. VCF-style: chr13-32336942-A-T. GRCh37 (hg19) VCF-style: chr13-32911079-A-T.
Other names: c.2587A>T, p.Asn863Tyr (NM_001406719.1, NM_001406720.1); c.1909+3555A>T (NM_001406721.1); c.424+5912A>T (NM_001406722.1); short protein forms N863Y.
Identifiers: ClinVar variation 2774889 (VCV002774889.2), dbSNP rs2137487932, ClinGen allele CA387772604.